The following is an entry in ClinVar:

ClinVar aggregate classification (germline): Uncertain significance (1 of 4 stars; one submission).

Allele frequency attached by ClinVar (database versions not stated): gnomAD 0.00003; ExAC 0.00005; TOPMed 0.00005; ESP Exome Variant Server 0.00008.
gnomAD v4.1: 37 of 1,612,008 alleles (0.0023%); highest among the groups gnomAD compares: East Asian, 0.018%; no homozygotes.

Submission:

Labcorp Genetics (formerly Invitae), Labcorp
Classification: Uncertain significance. Last evaluated: 2023-10-08. Review status: criteria provided, single submitter. Criteria: Invitae Variant Classification Sherloc (09022015). Collection method: clinical testing. Allele origin: germline.
Comment: This sequence change replaces alanine, which is neutral and non-polar, with threonine, which is neutral and polar, at codon 1338 of the IGF1R protein (p.Ala1338Thr). This variant is present in population databases (rs34102392, gnomAD 0.06%). This variant has not been reported in the literature in individuals affected with IGF1R-related conditions. ClinVar contains an entry for this variant (Variation ID: 2175449). An algorithm developed to predict the effect of missense changes on protein structure and function (PolyPhen-2) suggests that this variant is likely to be disruptive. In summary, the available evidence is currently insufficient to determine the role of this variant in disease. Therefore, it has been classified as a Variant of Uncertain Significance.

NM_000875.5(IGF1R):c.4012G>A (p.Ala1338Thr)

Gene: IGF1R (insulin like growth factor 1 receptor; plus strand). Cytogenetic location: 15q26.3.
Variant type: single nucleotide variant.
Coding change: c.4012G>A on transcript NM_000875.5 (MANE Select); coding-DNA position 4012, G replaced by A.
Protein change: p.Ala1338Thr; replaces alanine 1338 with threonine.
Molecular consequence: missense variant.
Genome position (GRCh38, 1-based): chr15:98,957,350, G>A. VCF-style: chr15-98957350-G-A. GRCh37 (hg19) VCF-style: chr15-99500579-G-A.
Other names: c.4009G>A, p.Ala1337Thr (NM_001291858.2); short protein forms A1338T, A1337T.
Identifiers: ClinVar variation 2175449 (VCV002175449.4), dbSNP rs34102392, ClinGen allele CA7752866.
Genomic context (GRCh38, chr15:98,957,350, plus strand): 5'-GACAGACACTCAGGACACAAGGCCGAGAACGGCCCCGGCCCTGGGGTGCTGGTCCTCCGC[G>A]CCAGCTTCGACGAGAGACAGCCTTACGCCCACATGAACGGGGGCCGCAAGAACGAGCGGG-3'
Protein context (NP_000866.1, residues 1328-1348): GPGPGVLVLR[Ala1338Thr]SFDERQPYAH